The following is an entry in ClinVar:

ClinVar aggregate classification (germline): Uncertain significance (1 of 4 stars; one submission).

Submission:

Dasa
Classification: Uncertain significance. Last evaluated: 2025-09-18. Review status: criteria provided, single submitter. Criteria: DASA Assertion Criteria. Collection method: clinical testing. Allele origin: germline.
Comment: NM_005499.3(UBA2):c.574T>G (p.Leu192Val) is a missense variant that results in the substitution of leucine with valine. This variant is absent from population databases. The currently available literature and clinical evidence are not sufficient to establish a definitive association between this variant and the reported condition. Therefore, this variant is classified as a variant of uncertain significance.

NM_005499.3(UBA2):c.574T>G (p.Leu192Val)

Gene: UBA2 (ubiquitin like modifier activating enzyme 2; plus strand). Cytogenetic location: 19q13.11.
Variant type: single nucleotide variant.
Coding change: c.574T>G on transcript NM_005499.3 (MANE Select); coding-DNA position 574, T replaced by G.
Protein change: p.Leu192Val; replaces leucine 192 with valine.
Molecular consequence: missense variant.
Genome position (GRCh38, 1-based): chr19:34,438,759, T>G. VCF-style: chr19-34438759-T-G. GRCh37 (hg19) VCF-style: chr19-34929664-T-G.
Other names: c.286T>G, p.Leu96Val (NM_001411139.1); short protein forms L192V, L96V.
Identifiers: ClinVar variation 4883665 (VCV004883665.2).
Genomic context (GRCh38, chr19:34,438,759, plus strand): 5'-GGCTGTACAATTCGTAACACACCTTCAGAACCTATACATTGCATCGTTTGGGCAAAGTAC[T>G]TGTTCAAGTAAGAGTGTATATTTCTTGGCATGCTTTTCGGTACTGATGATGGAAAATGGA-3'
Protein context (NP_005490.1, residues 182-202): PIHCIVWAKY[Leu192Val]FNQLFGEEDA